The following is an entry in ClinVar:

ClinVar aggregate classification (germline): Pathogenic (1 of 4 stars; one submission).

Submission:

Labcorp Genetics (formerly Invitae), Labcorp
Classification: Pathogenic. Last evaluated: 2023-04-06. Review status: criteria provided, single submitter. Criteria: Invitae Variant Classification Sherloc (09022015). Collection method: clinical testing. Allele origin: germline.
Comment: A gross deletion of the genomic region encompassing the full coding sequence of the MTTP gene has been identified. Loss-of-function variants in MTTP are known to be pathogenic (PMID: 8533758, 9671739). The boundaries of this event are unknown as they extend beyond the assayed region for this gene and therefore may encompass additional genes. For these reasons, this variant has been classified as Pathogenic. Isolated whole-gene deletions of MTTP have not been reported in the literature. However, larger copy number events that include this gene have been reported (PMID: 17275380).

Literature cited by the submitters: PubMed 8533758; PubMed 9671739; PubMed 17275380.

NC_000004.11:g.(?_100470245)_(100544005_?)del

Genes: MTTP (microsomal triglyceride transfer protein; plus strand), TRMT10A (tRNA methyltransferase 10A; minus strand). Cytogenetic location: 4q23.
Variant type: Deletion.
Identifiers: ClinVar variation 2422674 (VCV002422674.4).